The following is an entry in ClinVar:

ClinVar aggregate classification (germline): Pathogenic (1 of 4 stars; one submission).

Conditions:
Cystic fibrosis (CF). Also called: MUCOVISCIDOSIS. Identifiers: Orphanet 586, MedGen C0010674, MONDO:0009061, OMIM 219700. Disease mechanism: loss of function.

Submission:

Labcorp Genetics (formerly Invitae), Labcorp
Classification: Pathogenic for Cystic fibrosis. Last evaluated: 2024-01-04. Review status: criteria provided, single submitter. Criteria: Invitae Variant Classification Sherloc (09022015). Collection method: clinical testing. Allele origin: unknown.
Comment: This variant results in the deletion of part of exon 2 (c.54-4169_101del) of the CFTR gene. It is expected to disrupt RNA splicing. Variants that disrupt the donor or acceptor splice site typically lead to a loss of protein function (PMID: 16199547), and loss-of-function variants in CFTR are known to be pathogenic (PMID: 1695717, 7691345, 9725922). This variant has not been reported in the literature in individuals affected with CFTR-related conditions. This variant disrupts a region of the CFTR protein in which other variant(s) (p.Gly27Arg) have been determined to be pathogenic (PMID: 16423550, 23276700, 30046002). This suggests that this is a clinically significant region of the protein, and that variants that disrupt it are likely to be disease-causing. For these reasons, this variant has been classified as Pathogenic.

Literature cited by the submitters: PubMed 16199547; PubMed 1695717; PubMed 7691345; PubMed 9725922; PubMed 16423550; PubMed 23276700; PubMed 30046002.

NC_000007.13:g.(?_117140138)_(117144354_?)del

Gene: CFTR (CF transmembrane conductance regulator; plus strand). Cytogenetic location: 7q31.2.
Variant type: Deletion.
Identifiers: ClinVar variation 3245688 (VCV003245688.1).